The following is an entry in ClinVar:

NM_018133.4(MSL2):c.1037A>G (p.Glu346Gly)

Gene: MSL2 (MSL complex subunit 2; minus strand). Cytogenetic location: 3q22.3.
Variant type: single nucleotide variant.
Coding change: c.1037A>G on transcript NM_018133.4 (MANE Select); coding-DNA position 1037, A replaced by G.
Protein change: p.Glu346Gly; replaces glutamic acid 346 with glycine.
Molecular consequence: missense variant.
Genome position (GRCh38, 1-based): chr3:136,151,844, T>C on the plus strand (A>G on the coding strand, the complement: MSL2 is on the minus strand). VCF-style: chr3-136151844-T-C. GRCh37 (hg19) VCF-style: chr3-135870686-T-C.
Other names: c.815A>G, p.Glu272Gly (NM_001145417.2); short protein forms E272G, E346G.
Identifiers: ClinVar variation 4281506 (VCV004281506.7).

ClinVar aggregate classification (germline): Uncertain significance (1 of 4 stars; one submission).

Submission:

CeGaT Center for Human Genetics Tuebingen
Classification: Uncertain significance. Last evaluated: 2025-10-01. Review status: criteria provided, single submitter. Criteria: CeGaT Center For Human Genetics Tuebingen Variant Classification Criteria Version 2. Collection method: clinical testing. Allele origin: germline. Affected: yes. Observed: 1 variant allele.
Comment: MSL2: PM2